The following is an entry in ClinVar:

NM_178857.6(RP1L1):c.5458G>C (p.Ala1820Pro)

Gene: RP1L1 (RP1 like 1). Cytogenetic location: 8p23.1.
Variant type: single nucleotide variant.
Coding change: c.5458G>C on transcript NM_178857.6 (MANE Select); coding-DNA position 5458, G replaced by C.
Protein change: p.Ala1820Pro; replaces alanine 1820 with proline.
Molecular consequence: missense variant.
Genome position (GRCh38, 1-based): chr8:10,608,640, C>G on the plus strand (G>C on the coding strand, the complement: RP1L1 is on the minus strand). VCF-style: chr8-10608640-C-G. GRCh37 (hg19) VCF-style: chr8-10466150-C-G.
Other names: short protein forms A1820P.
Identifiers: ClinVar variation 4085069 (VCV004085069.8).

ClinVar aggregate classification (germline): Uncertain significance (1 of 4 stars; one submission).

Submission:

CeGaT Center for Human Genetics Tuebingen
Classification: Uncertain significance. Last evaluated: 2025-08-01. Review status: criteria provided, single submitter. Criteria: CeGaT Center For Human Genetics Tuebingen Variant Classification Criteria Version 2. Collection method: clinical testing. Allele origin: germline. Affected: yes. Observed: 1 variant allele.
Comment: RP1L1: PM2, BP4